The following is an entry in ClinVar:

ClinVar aggregate classification (germline): Likely benign. Review status: criteria provided, multiple submitters, no conflicts (2 of 4 stars). 3 submissions from 3 submitters: Likely benign (3). Last evaluated 2023-04-11.

Conditions:
Age related macular degeneration 1 (ARMD1). Also called: MACULOPATHY, AGE-RELATED, 1. Identifiers: MedGen C1864205, MONDO:0011285, OMIM 603075.

Allele frequency attached by ClinVar (database versions not stated): gnomAD exomes below 0.00001; gnomAD 0.00001; TOPMed 0.00002.
gnomAD v4.1: 4 of 1,613,348 alleles (0.00025%); highest among the groups gnomAD compares: Non-Finnish European, 0.00034%; no homozygotes.

Submissions (3):

Genome-Nilou Lab
Classification: Likely benign for Age related macular degeneration 1. Last evaluated: 2023-04-11. Review status: criteria provided, single submitter. Criteria: ACMG Guidelines, 2015. Collection method: clinical testing. Allele origin: germline. Affected: no.

CeGaT Center for Human Genetics Tuebingen
Classification: Likely benign. Last evaluated: 2023-02-01. Review status: criteria provided, single submitter. Criteria: CeGaT Center For Human Genetics Tuebingen Variant Classification Criteria Version 2. Collection method: clinical testing. Allele origin: germline. Affected: yes. Observed: 1 variant allele.
Comment: HMCN1: BP4, BP7

Labcorp Genetics (formerly Invitae), Labcorp
Classification: Likely benign. Last evaluated: 2022-11-15. Review status: criteria provided, single submitter. Criteria: Invitae Variant Classification Sherloc (09022015). Collection method: clinical testing. Allele origin: germline.

NM_031935.3(HMCN1):c.7809T>G (p.Pro2603=)

Gene: HMCN1 (hemicentin 1; plus strand). Cytogenetic location: 1q31.1.
Variant type: single nucleotide variant.
Coding change: c.7809T>G on transcript NM_031935.3 (MANE Select); coding-DNA position 7809, T replaced by G.
Protein change: p.Pro2603=; no amino-acid change (proline 2603 retained).
Molecular consequence: synonymous variant.
Genome position (GRCh38, 1-based): chr1:186,067,937, T>G. VCF-style: chr1-186067937-T-G. GRCh37 (hg19) VCF-style: chr1-186037069-T-G.
Identifiers: ClinVar variation 1978500 (VCV001978500.28), dbSNP rs1197711071, ClinGen allele CA422330703.